The following is an entry in ClinVar:

NM_001267550.2(TTN):c.103053C>T (p.Thr34351=)

Genes: TTN (titin; minus strand), TTN-AS1 (TTN antisense RNA 1; plus strand). Cytogenetic location: 2q31.2.
Variant type: single nucleotide variant.
Coding change: c.103053C>T on transcript NM_001267550.2 (MANE Select); coding-DNA position 103053, C replaced by T.
Protein change: p.Thr34351=; no amino-acid change (threonine 34351 retained).
Molecular consequence: synonymous variant.
Genome position (GRCh38, 1-based): chr2:178,533,562, G>A on the plus strand (C>T on the coding strand, the complement: TTN is on the minus strand). VCF-style: chr2-178533562-G-A. GRCh37 (hg19) VCF-style: chr2-179398289-G-A.
Other names: c.98130C>T, p.Thr32710= (NM_001256850.1); c.75858C>T, p.Thr25286= (NM_003319.4); c.95349C>T, p.Thr31783= (NM_133378.4); c.76233C>T, p.Thr25411= (NM_133432.3); c.76434C>T, p.Thr25478= (NM_133437.4).
Identifiers: ClinVar variation 287619 (VCV000287619.33), dbSNP rs3731753, ClinGen allele CA1985663.

ClinVar aggregate classification (germline): Conflicting classifications of pathogenicity. Review status: criteria provided, conflicting classifications (1 of 4 stars). 14 submissions from 10 submitters: Uncertain significance (3); Benign (7); Likely benign (2). 2 of the submissions do not count toward it. Last evaluated 2026-02-01.

Conditions:
Early-onset myopathy with fatal cardiomyopathy (CMYO5). Also called: Salih Myopathy; CONGENITAL MYOPATHY 5 WITH CARDIOMYOPATHY. Identifiers: Orphanet 289377, MedGen C2673677, MONDO:0012714, OMIM 611705. Disease mechanism: loss of function.
Myopathy, myofibrillar, 9, with early respiratory failure (MFM9). Also called: Hereditary myopathy with early respiratory failure; MYOPATHY, PROXIMAL, WITH EARLY RESPIRATORY MUSCLE INVOLVEMENT; EDSTROM MYOPATHY; Myopathy, distal, with early respiratory failure, autosomal dominant. Identifiers: Orphanet 178464, Orphanet 34521, MedGen C1863599, MONDO:0011362, OMIM 603689.
Dilated cardiomyopathy 1G (CMD1G). Identifiers: Orphanet 154, MedGen C1858763, MONDO:0011400, OMIM 604145.
Autosomal recessive limb-girdle muscular dystrophy type 2J (LGMDR10). Also called: Limb-girdle muscular dystrophy, type 2J; MUSCULAR DYSTROPHY, LIMB-GIRDLE, AUTOSOMAL RECESSIVE 10. Identifiers: Orphanet 140922, MedGen C1837342, MONDO:0012127, OMIM 608807.
TTN-related disorder. Also called: TTN-related condition; TTN-related disease; TTN-related disorders.
Cardiovascular phenotype. Identifiers: MedGen CN230736.
Tibial muscular dystrophy (TMD). Also called: UDD MYOPATHY; Tibial muscular dystrophy, tardive; Udd Distal Myopathy – Tibial Muscular Dystrophy. Identifiers: Orphanet 609, MedGen C1838244, MONDO:0010870, OMIM 600334.

Allele frequency attached by ClinVar (database versions not stated): TOPMed 0.00013; gnomAD 0.00014 and 0.00024; gnomAD exomes 0.00031 and 0.00042; ExAC 0.00056; 1000 Genomes Project 0.00060; 1000 Genomes Project 30x 0.00062.
gnomAD v4.1: 493 of 1,613,890 alleles (0.031%); highest among the groups gnomAD compares: East Asian, 1%; 3 homozygotes.

Submissions (14):

Labcorp Genetics (formerly Invitae), Labcorp
Classification: Benign for Dilated cardiomyopathy 1G; Autosomal recessive limb-girdle muscular dystrophy type 2J. Last evaluated: 2026-02-01. Review status: criteria provided, single submitter. Criteria: Invitae Variant Classification Sherloc (09022015). Collection method: clinical testing. Allele origin: germline.

PreventionGenetics, part of Exact Sciences
Classification: Likely benign for TTN-related condition. Last evaluated: 2025-09-05. Review status: criteria provided, single submitter. Criteria: ACMG Guidelines, 2015. Collection method: clinical testing. Allele origin: germline.
Comment: This variant is classified as likely benign based on ACMG/AMP sequence variant interpretation guidelines (Richards et al. 2015 PMID: 25741868, with internal and published modifications).

Blueprint Genetics
Classification: Likely benign. Last evaluated: 2024-11-08. Review status: criteria provided, single submitter. Criteria: ACMG Guidelines, 2015. Collection method: clinical testing. Allele origin: germline.

Women's Health and Genetics/Laboratory Corporation of America, LabCorp
Classification: Benign. Last evaluated: 2022-07-02. Review status: criteria provided, single submitter. Criteria: LabCorp Variant Classification Summary - May 2015. Collection method: clinical testing. Allele origin: germline.

Illumina Laboratory Services, Illumina
Classification: Uncertain significance for Dilated cardiomyopathy 1G. Last evaluated: 2018-01-13. Review status: criteria provided, single submitter. Criteria: ICSL Variant Classification Criteria 13 December 2019. Collection method: clinical testing. Allele origin: germline.

Illumina Laboratory Services, Illumina
Classification: Uncertain significance for Early-onset myopathy with fatal cardiomyopathy. Last evaluated: 2018-01-13. Review status: criteria provided, single submitter. Criteria: ICSL Variant Classification Criteria 13 December 2019. Collection method: clinical testing. Allele origin: germline.

Illumina Laboratory Services, Illumina
Classification: Benign for Myopathy, myofibrillar, 9, with early respiratory failure. Last evaluated: 2018-01-13. Review status: criteria provided, single submitter. Criteria: ICSL Variant Classification Criteria 13 December 2019. Collection method: clinical testing. Allele origin: germline.
Comment: This variant was observed in the ICSL laboratory as part of a predisposition screen in an ostensibly healthy population. It had not been previously curated by ICSL or reported in the Human Gene Mutation Database (HGMD: prior to June 1st, 2018), and was therefore a candidate for classification through an automated scoring system. Utilizing variant allele frequency, disease prevalence and penetrance estimates, and inheritance mode, an automated score was calculated to assess if this variant is too frequent to cause the disease. Based on the score and internal cut-off values, a variant classified as benign is not then subjected to further curation. The score for this variant resulted in a classification of benign for this disease.

Illumina Laboratory Services, Illumina
Classification: Benign for Tibial muscular dystrophy. Last evaluated: 2018-01-13. Review status: criteria provided, single submitter. Criteria: ICSL Variant Classification Criteria 13 December 2019. Collection method: clinical testing. Allele origin: germline.
Comment: the same text as in the submission from Illumina Laboratory Services, Illumina above.

Illumina Laboratory Services, Illumina
Classification: Uncertain significance for Autosomal recessive limb-girdle muscular dystrophy type 2J. Last evaluated: 2018-01-13. Review status: criteria provided, single submitter. Criteria: ICSL Variant Classification Criteria 13 December 2019. Collection method: clinical testing. Allele origin: germline.

Ambry Genetics
Classification: Benign for Cardiovascular phenotype. Last evaluated: 2017-04-28. Review status: criteria provided, single submitter. Criteria: Ambry Variant Classification Scheme 2023. Collection method: clinical testing. Allele origin: germline.

Eurofins Ntd Llc (ga)
Classification: Benign. Last evaluated: 2016-06-07. Review status: criteria provided, single submitter. Criteria: EGL Classification Definitions 2015. Collection method: clinical testing. Allele origin: germline. Observed: 2 variant alleles, 2 heterozygotes.

GeneDx
Classification: Benign. Last evaluated: 2015-08-20. Review status: criteria provided, single submitter. Criteria: GeneDx Variant Classification (06012015). Collection method: clinical testing. Allele origin: germline. Affected: yes.
Comment: This variant is considered likely benign or benign based on one or more of the following criteria: it is a conservative change, it occurs at a poorly conserved position in the protein, it is predicted to be benign by multiple in silico algorithms, and/or has population frequency not consistent with disease.

Clinical Genetics, Academic Medical Center
Classification: Benign. Review status: no assertion criteria provided. Collection method: clinical testing. Allele origin: germline. Affected: yes. Study: VKGL Data-share Consensus. Not counted in ClinVar's aggregate classification.

Diagnostic Laboratory, Department of Genetics, University Medical Center Groningen
Classification: Likely benign. Review status: no assertion criteria provided. Collection method: clinical testing. Allele origin: germline. Affected: yes. Study: VKGL Data-share Consensus. Not counted in ClinVar's aggregate classification.